The following is an entry in ClinVar:

ClinVar aggregate classification (germline): Likely benign. Review status: criteria provided, multiple submitters, no conflicts (2 of 4 stars). 3 submissions from 3 submitters: Likely benign (3). Last evaluated 2024-10-17.

Conditions:
Hereditary spastic paraplegia 28. Also called: Spastic paraplegia 28, autosomal recessive. Identifiers: Orphanet 101008, MedGen C1836295, MONDO:0012256, OMIM 609340.

Allele frequency attached by ClinVar (database versions not stated): gnomAD exomes 0.00001 and 0.00002; ExAC 0.00002; gnomAD 0.00005 and 0.00006; TOPMed 0.00006; ESP Exome Variant Server 0.00015.
gnomAD v4.1: 53 of 1,586,164 alleles (0.0033%); highest among the groups gnomAD compares: Middle Eastern, 0.068%; no homozygotes.

Submissions (3):

Labcorp Genetics (formerly Invitae), Labcorp
Classification: Likely benign for Hereditary spastic paraplegia 28. Last evaluated: 2024-10-17. Review status: criteria provided, single submitter. Criteria: Invitae Variant Classification Sherloc (09022015). Collection method: clinical testing. Allele origin: germline.

Blueprint Genetics
Classification: Likely benign. Last evaluated: 2021-12-08. Review status: criteria provided, single submitter. Criteria: ACMG Guidelines, 2015. Collection method: clinical testing. Allele origin: germline.

GeneDx
Classification: Likely benign. Last evaluated: 2017-10-26. Review status: criteria provided, single submitter. Criteria: GeneDx Variant Classification (06012015). Collection method: clinical testing. Allele origin: germline. Affected: yes.
Comment: This variant is considered likely benign or benign based on one or more of the following criteria: it is a conservative change, it occurs at a poorly conserved position in the protein, it is predicted to be benign by multiple in silico algorithms, and/or has population frequency not consistent with disease.

NM_001160148.2(DDHD1):c.838+14C>T

Genes: DDHD1 (DDHD domain containing 1; minus strand), LOC130055658 (ATAC-STARR-seq lymphoblastoid active region 8401; plus strand). Cytogenetic location: 14q22.1.
Variant type: single nucleotide variant.
Coding change: c.838+14C>T on transcript NM_001160148.2 (MANE Select); 14 bases into the intron after coding-DNA position 838, C replaced by T.
Molecular consequence: intron variant.
Genome position (GRCh38, 1-based): chr14:53,152,247, G>A on the plus strand (C>T on the coding strand, the complement: DDHD1 is on the minus strand). VCF-style: chr14-53152247-G-A. GRCh37 (hg19) VCF-style: chr14-53618965-G-A.
Other names: c.838+14C>T (NM_030637.3, NM_001160147.2).
Identifiers: ClinVar variation 512656 (VCV000512656.10), dbSNP rs372898360, ClinGen allele CA7191401.
Genomic context (GRCh38, chr14:53,152,247, plus strand): 5'-CCCAAACCCACACCGGTGCGCATCGGCCCATGCAGGGGCAGCCCGTCCTGCCCTAACCCC[G>A]GCCCGCTACTCACGGTTCCAGTACACCGGGTAGCACTCTCCTTGGGTCACATCCACCTCG-3'